The following is an entry in ClinVar:

NM_000292.3(PHKA2):c.1964-7A>G

Gene: PHKA2 (phosphorylase kinase regulatory subunit alpha 2; minus strand). Cytogenetic location: Xp22.13.
Variant type: single nucleotide variant.
Coding change: c.1964-7A>G on transcript NM_000292.3 (MANE Select); 7 bases into the intron before coding-DNA position 1964, A replaced by G.
Molecular consequence: intron variant.
Genome position (GRCh38, 1-based): chrX:18,918,861, T>C on the plus strand (A>G on the coding strand, the complement: PHKA2 is on the minus strand). VCF-style: chrX-18918861-T-C. GRCh37 (hg19) VCF-style: chrX-18936979-T-C.
Other names: p.?.
Identifiers: ClinVar variation 387909 (VCV000387909.19), dbSNP rs376658808, ClinGen allele CA10361752.
Genomic context (GRCh38, chrX:18,918,861, plus strand): 5'-ACGATGTGCTTTGCAGAAGGTGGTTGATATAATGGTCAAGTTCGTCTTGGCTTTCTGTAA[T>C]TGGACAAGCAAGAAAAAGAGCCAATGAAACCAAGCTGTAGAAATATGACTACACAATAGT-3'

ClinVar aggregate classification (germline): Benign/Likely benign. Review status: criteria provided, multiple submitters, no conflicts (2 of 4 stars). 6 submissions from 6 submitters: Benign (1); Likely benign (5). Last evaluated 2026-04-27.

Conditions:
Genetic developmental and epileptic encephalopathy. Identifiers: MedGen CN379639, MONDO:0100062.
Inborn genetic diseases. Identifiers: MedGen C0950123, MeSH D030342.
Glycogen storage disease IXa1. Also called: Glycogen storage disease 8; LIVER GLYCOGENOSIS, X-LINKED, TYPE I; GLYCOGEN STORAGE DISEASE VIII; GSD VIII. Identifiers: Orphanet 264580, MedGen C3694531, MONDO:0010598, OMIM 306000.

Allele frequency attached by ClinVar (database versions not stated): ExAC 0.00055; gnomAD exomes 0.00062 and 0.00143; 1000 Genomes Project 0.00079; 1000 Genomes Project 30x 0.00083; gnomAD 0.00120 and 0.00126; TOPMed 0.00125; ESP Exome Variant Server 0.00161.

Submissions (9):

Ambry Genetics
Classification: Likely benign for Inborn genetic diseases. Last evaluated: 2026-04-27. Review status: criteria provided, single submitter. Criteria: Ambry Variant Classification Scheme 2023. Collection method: clinical testing. Allele origin: germline.

Labcorp Genetics (formerly Invitae), Labcorp
Classification: Benign for Glycogen storage disease IXa1. Last evaluated: 2026-01-20. Review status: criteria provided, single submitter. Criteria: Invitae Variant Classification Sherloc (09022015). Collection method: clinical testing. Allele origin: germline.

Mayo Clinic Laboratories, Mayo Clinic
Classification: Likely benign. Last evaluated: 2025-03-24. Review status: criteria provided, single submitter. Criteria: ACMG Guidelines, 2015. Collection method: clinical testing. Allele origin: germline. Observed: 3 variant alleles.
Comment: BS1, BS2

Blueprint Genetics
Classification: Likely benign. Last evaluated: 2024-11-22. Review status: criteria provided, single submitter. Criteria: ACMG Guidelines, 2015. Collection method: clinical testing. Allele origin: germline.

GeneDx
Classification: Likely benign. Last evaluated: 2020-02-14. Review status: criteria provided, single submitter. Criteria: GeneDx Variant Classification Process June 2021. Collection method: clinical testing. Allele origin: germline. Affected: yes.

Cambridge Genomics Laboratory, East Genomic Laboratory Hub, NHS Genomic Medicine Service
Classification: Likely benign for Genetic developmental and epileptic encephalopathy. Last evaluated: 2019-05-02. Review status: criteria provided, single submitter. Criteria: ACGS Best Practice Guidelines for Variant Classification in Rare Disease 2020. Collection method: clinical testing. Allele origin: germline. Affected: yes. Observed: 1 variant allele.

Dr. Peter K. Rogan Lab, Western University
No classification provided (evidence only). Condition: Acute myeloid leukemia. Review status: no classification provided. Collection method: in vitro. Allele origin: not applicable. Functional consequence: retained intron. Not counted in ClinVar's aggregate classification.

Dr. Peter K. Rogan Lab, Western University
No classification provided (evidence only). Condition: Thymoma. Review status: no classification provided. Collection method: in vitro. Allele origin: not applicable. Functional consequence: retained intron. Not counted in ClinVar's aggregate classification.

Dr. Peter K. Rogan Lab, Western University
No classification provided (evidence only). Condition: Gastric cancer. Review status: no classification provided. Collection method: in vitro. Allele origin: not applicable. Functional consequence: retained intron. Not counted in ClinVar's aggregate classification.